The following is an entry in ClinVar:

NM_004360.5(CDH1):c.869A>G (p.Asp290Gly)

Gene: CDH1 (cadherin 1; plus strand). Cytogenetic location: 16q22.1.
Variant type: single nucleotide variant.
Coding change: c.869A>G on transcript NM_004360.5 (MANE Select); coding-DNA position 869, A replaced by G.
Protein change: p.Asp290Gly; replaces aspartic acid 290 with glycine.
Molecular consequence: missense variant. On other transcripts: 5 prime UTR variant (2).
Genome position (GRCh38, 1-based): chr16:68,811,720, A>G. VCF-style: chr16-68811720-A-G. GRCh37 (hg19) VCF-style: chr16-68845623-A-G.
Other names: c.869A>G, p.Asp290Gly (NM_001317184.2); c.-747A>G (NM_001317185.2); c.-951A>G (NM_001317186.2); short protein forms D290G.
Identifiers: ClinVar variation 1059006 (VCV001059006.9), dbSNP rs2152131936, ClinGen allele CA396459612.

ClinVar aggregate classification (germline): Uncertain significance (1 of 4 stars; one submission).

Conditions:
Hereditary diffuse gastric adenocarcinoma (HDGC). Also called: DIFFUSE GASTRIC AND LOBULAR BREAST CANCER SYNDROME. Identifiers: Orphanet 26106, MedGen C1708349, MONDO:0007648, OMIM 137215.

Submission:

Labcorp Genetics (formerly Invitae), Labcorp
Classification: Uncertain significance for Hereditary diffuse gastric adenocarcinoma. Last evaluated: 2020-08-12. Review status: criteria provided, single submitter. Criteria: Invitae Variant Classification Sherloc (09022015). Collection method: clinical testing. Allele origin: germline.
Comment: In summary, the available evidence is currently insufficient to determine the role of this variant in disease. Therefore, it has been classified as a Variant of Uncertain Significance. This sequence change replaces aspartic acid with glycine at codon 290 of the CDH1 protein (p.Asp290Gly). The aspartic acid residue is highly conserved and there is a moderate physicochemical difference between aspartic acid and glycine. This variant is not present in population databases (ExAC no frequency). This variant has not been reported in the literature in individuals with CDH1-related disease. Algorithms developed to predict the effect of missense changes on protein structure and function (SIFT, PolyPhen-2, Align-GVGD) all suggest that this variant is likely to be disruptive, but these predictions have not been confirmed by published functional studies and their clinical significance is uncertain.